The following is an entry in ClinVar:

ClinVar aggregate classification (germline): Uncertain significance. Review status: criteria provided, multiple submitters, no conflicts (2 of 4 stars). 2 submissions from 2 submitters: Uncertain significance (2). Last evaluated 2025-11-24.

Conditions:
Inborn genetic diseases. Identifiers: MedGen C0950123, MeSH D030342.
Acyl-CoA oxidase deficiency. Also called: Peroxisomal acyl-CoA oxidase deficiency; STRAIGHT-CHAIN ACYL-CoA OXIDASE DEFICIENCY; Pseudoneonatal adrenoleukodystrophy. Identifiers: Orphanet 2971, MedGen C1849678, MONDO:0009919, OMIM 264470. Disease mechanism: loss of function.

Allele frequency attached by ClinVar (database versions not stated): gnomAD exomes 0.00001; TOPMed 0.00008; gnomAD 0.00009.
gnomAD v4.1: 33 of 1,614,034 alleles (0.002%); highest among the groups gnomAD compares: African/African-American, 0.028%; no homozygotes.

Submissions (2):

Ambry Genetics
Classification: Uncertain significance for Inborn genetic diseases. Last evaluated: 2025-11-24. Review status: criteria provided, single submitter. Criteria: Ambry Variant Classification Scheme 2023. Collection method: clinical testing. Allele origin: germline.

Labcorp Genetics (formerly Invitae), Labcorp
Classification: Uncertain significance for Acyl-CoA oxidase deficiency. Last evaluated: 2021-08-26. Review status: criteria provided, single submitter. Criteria: Invitae Variant Classification Sherloc (09022015). Collection method: clinical testing. Allele origin: germline.
Comment: This sequence change replaces alanine with threonine at codon 553 of the ACOX1 protein (p.Ala553Thr). The alanine residue is weakly conserved and there is a small physicochemical difference between alanine and threonine. This variant is not present in population databases (ExAC no frequency). This variant has not been reported in the literature in individuals affected with ACOX1-related conditions. Algorithms developed to predict the effect of missense changes on protein structure and function output the following: SIFT: "Tolerated"; PolyPhen-2: "Benign"; Align-GVGD: "Class C0". The threonine amino acid residue is found in multiple mammalian species, which suggests that this missense change does not adversely affect protein function. In summary, the available evidence is currently insufficient to determine the role of this variant in disease. Therefore, it has been classified as a Variant of Uncertain Significance.

NM_004035.7(ACOX1):c.1657G>A (p.Ala553Thr)

Gene: ACOX1 (acyl-CoA oxidase 1; minus strand). Cytogenetic location: 17q25.1.
Variant type: single nucleotide variant.
Coding change: c.1657G>A on transcript NM_004035.7 (MANE Select); coding-DNA position 1657, G replaced by A.
Protein change: p.Ala553Thr; replaces alanine 553 with threonine.
Molecular consequence: missense variant.
Genome position (GRCh38, 1-based): chr17:75,949,288, C>T on the plus strand (G>A on the coding strand, the complement: ACOX1 is on the minus strand). VCF-style: chr17-75949288-C-T. GRCh37 (hg19) VCF-style: chr17-73945369-C-T.
Other names: c.1543G>A, p.Ala515Thr (NM_001185039.2); c.1657G>A, p.Ala553Thr (NM_007292.6); c.1657G>A (NM_004035.6); short protein forms A553T, A515T.
Identifiers: ClinVar variation 2055739 (VCV002055739.2), dbSNP rs994309569, ClinGen allele CA294106093.